The following is an entry in ClinVar:

NM_000081.4(LYST):c.700A>G (p.Asn234Asp)

Gene: LYST (lysosomal trafficking regulator; minus strand). Cytogenetic location: 1q42.3.
Variant type: single nucleotide variant.
Coding change: c.700A>G on transcript NM_000081.4 (MANE Select); coding-DNA position 700, A replaced by G.
Protein change: p.Asn234Asp; replaces asparagine 234 with aspartic acid.
Molecular consequence: missense variant.
Genome position (GRCh38, 1-based): chr1:235,810,118, T>C on the plus strand (A>G on the coding strand, the complement: LYST is on the minus strand). VCF-style: chr1-235810118-T-C. GRCh37 (hg19) VCF-style: chr1-235973418-T-C.
Other names: c.700A>G, p.Asn234Asp (NM_001301365.1); short protein forms N234D.
Identifiers: ClinVar variation 1460770 (VCV001460770.3), dbSNP rs1673305138, ClinGen allele CA344964616.

ClinVar aggregate classification (germline): Uncertain significance (1 of 4 stars; one submission).

Conditions:
Chédiak-Higashi syndrome (CHS). Also called: Chediak-Higashi Syndrome. Identifiers: Orphanet 167, MedGen C0007965, MONDO:0008963, OMIM 214500.

Allele frequency attached by ClinVar (database versions not stated): gnomAD 0.00001.
gnomAD v4.1: 2 of 1,614,068 alleles (0.00012%); highest among the groups gnomAD compares: African/African-American, 0.0027%; no homozygotes.

Submission:

Labcorp Genetics (formerly Invitae), Labcorp
Classification: Uncertain significance for Chédiak-Higashi syndrome. Last evaluated: 2022-05-05. Review status: criteria provided, single submitter. Criteria: Invitae Variant Classification Sherloc (09022015). Collection method: clinical testing. Allele origin: germline.
Comment: This sequence change replaces asparagine, which is neutral and polar, with aspartic acid, which is acidic and polar, at codon 234 of the LYST protein (p.Asn234Asp). This variant is not present in population databases (gnomAD no frequency). This variant has not been reported in the literature in individuals affected with LYST-related conditions. Algorithms developed to predict the effect of missense changes on protein structure and function output the following: SIFT: "Tolerated"; PolyPhen-2: "Benign"; Align-GVGD: "Class C0". The aspartic acid amino acid residue is found in multiple mammalian species, which suggests that this missense change does not adversely affect protein function. In summary, the available evidence is currently insufficient to determine the role of this variant in disease. Therefore, it has been classified as a Variant of Uncertain Significance.